The following is an entry in ClinVar:

ClinVar aggregate classification (germline): Likely benign. Review status: criteria provided, multiple submitters, no conflicts (2 of 4 stars). 2 submissions from 2 submitters: Likely benign (2). Last evaluated 2026-01-01.

Conditions:
Generalized epilepsy with febrile seizures plus, type 9 (GEFSP9). Also called: GEFS+, TYPE 9. Identifiers: Orphanet 36387, MedGen C4015395, MONDO:0014517, OMIM 616172.

Allele frequency attached by ClinVar (database versions not stated): ExAC 0.00001; gnomAD exomes 0.00001 and 0.00002.
gnomAD v4.1: 27 of 1,614,060 alleles (0.0017%); highest among the groups gnomAD compares: Non-Finnish European, 0.0021%; no homozygotes.

Submissions (2):

CeGaT Center for Human Genetics Tuebingen
Classification: Likely benign. Last evaluated: 2026-01-01. Review status: criteria provided, single submitter. Criteria: CeGaT Center For Human Genetics Tuebingen Variant Classification Criteria Version 2. Collection method: clinical testing. Allele origin: germline. Affected: yes. Observed: 1 variant allele.
Comment: STX1B: BP4, BP7

Labcorp Genetics (formerly Invitae), Labcorp
Classification: Likely benign for Generalized epilepsy with febrile seizures plus, type 9. Last evaluated: 2024-05-18. Review status: criteria provided, single submitter. Criteria: Invitae Variant Classification Sherloc (09022015). Collection method: clinical testing. Allele origin: germline.

NM_052874.5(STX1B):c.696C>T (p.Ile232=)

Gene: STX1B (syntaxin 1B; minus strand). Cytogenetic location: 16p11.2.
Variant type: single nucleotide variant.
Coding change: c.696C>T on transcript NM_052874.5 (MANE Select); coding-DNA position 696, C replaced by T.
Protein change: p.Ile232=; no amino-acid change (isoleucine 232 retained).
Molecular consequence: synonymous variant.
Genome position (GRCh38, 1-based): chr16:30,993,220, G>A on the plus strand (C>T on the coding strand, the complement: STX1B is on the minus strand). VCF-style: chr16-30993220-G-A. GRCh37 (hg19) VCF-style: chr16-31004541-G-A.
Identifiers: ClinVar variation 794429 (VCV000794429.12), dbSNP rs775771121, ClinGen allele CA8018284.